The following is an entry in ClinVar:

NM_000310.4(PPT1):c.197A>G (p.Tyr66Cys)

Gene: PPT1 (palmitoyl-protein thioesterase 1; minus strand). Cytogenetic location: 1p34.2.
Variant type: single nucleotide variant.
Coding change: c.197A>G on transcript NM_000310.4 (MANE Select); coding-DNA position 197, A replaced by G.
Protein change: p.Tyr66Cys; replaces tyrosine 66 with cysteine.
Molecular consequence: missense variant. On other transcripts: intron variant (1).
Genome position (GRCh38, 1-based): chr1:40,092,435, T>C on the plus strand (A>G on the coding strand, the complement: PPT1 is on the minus strand). VCF-style: chr1-40092435-T-C. GRCh37 (hg19) VCF-style: chr1-40558107-T-C.
Other names: c.197A>G, p.Tyr66Cys (NM_001363695.2); c.125-2923A>G (NM_001142604.2); short protein forms Y66C.
Identifiers: ClinVar variation 424398 (VCV000424398.2), dbSNP rs960648548, ClinGen allele CA16617141.

ClinVar aggregate classification (germline): Uncertain significance (1 of 4 stars; one submission).

Allele frequency attached by ClinVar (database versions not stated): TOPMed 0.00001.

Submission:

GeneDx
Classification: Uncertain significance. Last evaluated: 2017-03-20. Review status: criteria provided, single submitter. Criteria: GeneDx Variant Classification (06012015). Collection method: clinical testing. Allele origin: germline. Affected: yes.
Comment: A variant of uncertain significance has been identified in the PTT1 gene. The Y66C variant has not been published as a pathogenic variant, nor has it been reported as a benign variant to our knowledge. The Y66C variant is not observed in large population cohorts (Lek et al., 2016; 1000 Genomes Consortium et al., 2015; Exome Variant Server). The Y66C variant is a non-conservative amino acid substitution, which is likely to impact secondary protein structure as these residues differ in polarity, charge, size and/or other properties. This substitution occurs at a position that is conserved in mammals and in silico analysis predicts this variant is probably damaging to the protein structure/function Based on the currently available information, it is unclear whether this variant is a pathogenic variant or a rare benign variant.